The following is an entry in ClinVar:

ClinVar aggregate classification (germline): Uncertain significance (1 of 4 stars; one submission).

Conditions:
Hereditary cancer-predisposing syndrome. Also called: Neoplastic Syndromes, Hereditary; Hereditary Cancer Syndrome; Hereditary neoplastic syndrome; Tumor predisposition. Identifiers: Orphanet 140162, MedGen C0027672, MeSH D009386, MONDO:0015356.

Submission:

Ambry Genetics
Classification: Uncertain significance for Hereditary cancer-predisposing syndrome. Last evaluated: 2025-08-09. Review status: criteria provided, single submitter. Criteria: Ambry Variant Classification Scheme 2023. Collection method: clinical testing. Allele origin: germline.
Comment: The p.A27S variant (also known as c.79G>T), located in coding exon 1 of the BRIP1 gene, results from a G to T substitution at nucleotide position 79. The alanine at codon 27 is replaced by serine, an amino acid with similar properties. This variant was not reported in population based cohorts in the following databases: Database of Single Nucleotide Polymorphisms (dbSNP), NHLBI Exome Sequencing Project (ESP), and 1000 Genomes Project. In the ESP, this variant was not observed in 6503 samples (13006 alleles) with coverage at this position. To date, this alteration has been detected with an allele frequency of approximately 0.001% (greater than 175000 alleles tested) in our clinical cohort. This amino acid position is highly conserved in available vertebrate species. In addition, this alteration is predicted to be tolerated by in silico analysis. Since supporting evidence is limited at this time, the clinical significance of this alteration remains unclear.

NM_032043.3(BRIP1):c.79G>T (p.Ala27Ser)

Gene: BRIP1 (BRCA1 interacting DNA helicase 1; minus strand). Cytogenetic location: 17q23.2.
Variant type: single nucleotide variant.
Coding change: c.79G>T on transcript NM_032043.3 (MANE Select); coding-DNA position 79, G replaced by T.
Protein change: p.Ala27Ser; replaces alanine 27 with serine.
Molecular consequence: missense variant.
Genome position (GRCh38, 1-based): chr17:61,861,461, C>A on the plus strand (G>T on the coding strand, the complement: BRIP1 is on the minus strand). VCF-style: chr17-61861461-C-A. GRCh37 (hg19) VCF-style: chr17-59938822-C-A.
Other names: short protein forms A27S.
Identifiers: ClinVar variation 479449 (VCV000479449.6), dbSNP rs1555618704, ClinGen allele CA400485926.
Genomic context (GRCh38, chr17:61,861,461, plus strand): 5'-AAGTATCTATATCTTAATAAAAACTTAACTGCTGAAAAATACTTACAGAATTCATCATAG[C>A]AAGCTGTGACGGGTAAGCTTTATAAGGAAAGTAAATCTTCACCCCACCAATTGTATATTC-3'
Protein context (NP_114432.2, residues 17-37): FPYKAYPSQL[Ala27Ser]MMNSILRGLN